The following is an entry in ClinVar:

ClinVar aggregate classification (germline): Pathogenic/Likely pathogenic. Review status: criteria provided, multiple submitters, no conflicts (2 of 4 stars). 3 submissions from 3 submitters: Pathogenic (2); Likely pathogenic (1). Last evaluated 2023-08-28.

Conditions:
Hereditary cancer-predisposing syndrome. Also called: Tumor predisposition; Hereditary neoplastic syndrome; Neoplastic Syndromes, Hereditary; Hereditary Cancer Syndrome. Identifiers: Orphanet 140162, MedGen C0027672, MeSH D009386, MONDO:0015356.
Hereditary nonpolyposis colorectal neoplasms. Identifiers: MedGen C0009405, MeSH D003123.
Lynch syndrome 5 (LYNCH5). Also called: Hereditary non-polyposis colorectal cancer, type 5; Colorectal cancer, hereditary nonpolyposis, type 5. Identifiers: Orphanet 144, MedGen C1833477, MONDO:0013710, OMIM 614350. Disease mechanism: loss of function.

Submissions (3):

Myriad Genetics, Inc.
Classification: Pathogenic for Lynch syndrome 5. Last evaluated: 2023-08-28. Review status: criteria provided, single submitter. Criteria: Myriad Autosomal Dominant, Autosomal Recessive and X-Linked Classification Criteria (2023). Collection method: clinical testing. Allele origin: unknown.
Comment: This variant is considered pathogenic. This variant creates a frameshift predicted to result in premature protein truncation.

Ambry Genetics
Classification: Likely pathogenic for Hereditary cancer-predisposing syndrome. Last evaluated: 2023-03-01. Review status: criteria provided, single submitter. Criteria: Ambry Variant Classification Scheme 2023. Collection method: clinical testing. Allele origin: germline.
Comment: The c.3929_3938delAGGAAGTTAT variant, located in coding exon 9 of the MSH6 gene, results from a deletion of 10 nucleotides at nucleotide positions 3929 to 3938, causing a translational frameshift with a predicted alternate stop codon (p.E1310Vfs*14). This alteration occurs at the 3' terminus of theMSH6 gene, is not expected to trigger nonsense-mediated mRNA decay, and only impacts the last 51 amino acids of the protein. However, premature stop codons are typically deleterious in nature and the impacted region is critical for protein function (Ambry internal data). This variant is considered to be rare based on population cohorts in the Genome Aggregation Database (gnomAD). Based on the majority of available evidence to date, this variant is likely to be pathogenic.

Labcorp Genetics (formerly Invitae), Labcorp
Classification: Pathogenic for Hereditary nonpolyposis colorectal neoplasms. Last evaluated: 2022-08-19. Review status: criteria provided, single submitter. Criteria: Invitae Variant Classification Sherloc (09022015). Collection method: clinical testing. Allele origin: germline.
Comment: For these reasons, this variant has been classified as Pathogenic. This variant disrupts a region of the MSH6 protein in which other variant(s) (p.Leu1330Valfs*12) have been determined to be pathogenic (PMID: 2440087, 14520694, 19851887, 21155762). This suggests that this is a clinically significant region of the protein, and that variants that disrupt it are likely to be disease-causing. RNA analysis performed to evaluate the impact of this premature translational stop signal on mRNA splicing indicates it does not significantly alter splicing (Invitae). This variant has not been reported in the literature in individuals affected with MSH6-related conditions. This variant is not present in population databases (gnomAD no frequency). This sequence change creates a premature translational stop signal (p.Glu1310Valfs*14) in the MSH6 gene. While this is not anticipated to result in nonsense mediated decay, it is expected to disrupt the last 51 amino acid(s) of the MSH6 protein.

Literature cited by the submitters: PubMed 2440087 (cited by Labcorp Genetics (formerly Invitae), Labcorp); PubMed 14520694 (cited by Labcorp Genetics (formerly Invitae), Labcorp); PubMed 19851887 (cited by Labcorp Genetics (formerly Invitae), Labcorp); PubMed 21155762 (cited by Labcorp Genetics (formerly Invitae), Labcorp).

NM_000179.3(MSH6):c.3929_3938del (p.Glu1310fs)

Gene: MSH6 (mutS homolog 6; plus strand). Cytogenetic location: 2p16.3.
Variant type: Deletion.
Coding change: c.3929_3938del on transcript NM_000179.3 (MANE Select); coding-DNA positions 3929 to 3938, 10 bases deleted (AGGAAGTTAT; older notation c.3929_3938delAGGAAGTTAT).
Protein change: p.Glu1310fs; shifts the reading frame from glutamic acid 1310.
Molecular consequence: frameshift variant.
Genome position (GRCh38, 1-based): chr2:47,806,579-47,806,588, AGGAAGTTAT deleted. VCF-style (leftmost placement, unchanged base first): chr2-47806578-GAGGAAGTTAT-G. GRCh37 (hg19) VCF-style: chr2-48033717-GAGGAAGTTAT-G.
Other names: c.3539_3548del, p.Glu1180fs (NM_001281492.2); c.3023_3032del, p.Glu1008fs (NM_001281493.2, NM_001281494.2); c.4025_4034delAGGAAGTTAT, p.Glu1342Valfs (NM_001406795.1); c.3929_3938delAGGAAGTTAT, p.Glu1310Valfs (NM_001406796.1, NM_001406808.1, NM_001406809.1); c.3632_3641delAGGAAGTTAT, p.Glu1211Valfs (NM_001406797.1, NM_001406801.1, NM_001406805.1 and 10 more transcripts); c.3755_3764delAGGAAGTTAT, p.Glu1252Valfs (NM_001406798.1); c.3404_3413delAGGAAGTTAT, p.Glu1135Valfs (NM_001406799.1, NM_001406806.1, NM_001406807.1); c.3916_3925delAGGAAGTTAT, p.Arg1306Serfs (NM_001406800.1); and 9 more; short protein forms E1008fs, E1310fs, E1180fs.
Identifiers: ClinVar variation 1981322 (VCV001981322.7), dbSNP rs2530871089, ClinGen allele CA2580067475.